The following is an entry in ClinVar:

ClinVar aggregate classification (germline): Uncertain significance (1 of 4 stars; one submission).

Conditions:
Malignant hyperthermia, susceptibility to, 5 (MHS5). Also called: CACNA1S-Related Malignant Hyperthermia Susceptibility. Identifiers: Orphanet 423, MedGen C1866077, MONDO:0011163, OMIM 601887.
Hypokalemic periodic paralysis, type 1. Also called: HypoPP; Hypokalemic Periodic Paralysis Type 1 (AD). Identifiers: Orphanet 681, MedGen C3714580, MONDO:0042979, OMIM 170400.

Allele frequency attached by ClinVar (database versions not stated): ExAC 0.00001; gnomAD 0.00001.
gnomAD v4.1: 1 of 1,614,120 alleles (0.000062%); highest among the groups gnomAD compares: Non-Finnish European, 0.000085%; no homozygotes.

Submission:

Labcorp Genetics (formerly Invitae), Labcorp
Classification: Uncertain significance for Hypokalemic periodic paralysis, type 1; Malignant hyperthermia, susceptibility to, 5. Last evaluated: 2025-04-14. Review status: criteria provided, single submitter. Criteria: Invitae Variant Classification Sherloc (09022015). Collection method: clinical testing. Allele origin: germline.
Comment: This sequence change replaces histidine, which is basic and polar, with glutamine, which is neutral and polar, at codon 426 of the CACNA1S protein (p.His426Gln). This variant is present in population databases (rs780455824, gnomAD 0.0009%). This variant has not been reported in the literature in individuals affected with CACNA1S-related conditions. ClinVar contains an entry for this variant (Variation ID: 2149496). Invitae Evidence Modeling of protein sequence and biophysical properties (such as structural, functional, and spatial information, amino acid conservation, physicochemical variation, residue mobility, and thermodynamic stability) indicates that this missense variant is not expected to disrupt CACNA1S protein function with a negative predictive value of 95%. In summary, the available evidence is currently insufficient to determine the role of this variant in disease. Therefore, it has been classified as a Variant of Uncertain Significance.

NM_000069.3(CACNA1S):c.1278T>A (p.His426Gln)

Gene: CACNA1S (calcium voltage-gated channel subunit alpha1 S; minus strand). Cytogenetic location: 1q32.1.
Variant type: single nucleotide variant.
Coding change: c.1278T>A on transcript NM_000069.3 (MANE Select); coding-DNA position 1278, T replaced by A.
Protein change: p.His426Gln; replaces histidine 426 with glutamine.
Molecular consequence: missense variant.
Genome position (GRCh38, 1-based): chr1:201,083,277, A>T on the plus strand (T>A on the coding strand, the complement: CACNA1S is on the minus strand). VCF-style: chr1-201083277-A-T. GRCh37 (hg19) VCF-style: chr1-201052405-A-T.
Other names: short protein forms H426Q.
Identifiers: ClinVar variation 2149496 (VCV002149496.4), dbSNP rs780455824, ClinGen allele CA078110.